The following is an entry in ClinVar:

ClinVar aggregate classification (germline): Pathogenic (1 of 4 stars; one submission).

Conditions:
Neurofibromatosis, type 1 (NF1). Also called: VON RECKLINGHAUSEN DISEASE; Neurofibromatosis, type I; Peripheral type neurofibromatosis; NEUROFIBROMATOSIS, TYPE I, SOMATIC. Identifiers: Orphanet 636, MedGen C0027831, MONDO:0018975, OMIM 162200. Disease mechanism: loss of function.

Submission:

Labcorp Genetics (formerly Invitae), Labcorp
Classification: Pathogenic for Neurofibromatosis, type 1. Last evaluated: 2023-04-06. Review status: criteria provided, single submitter. Criteria: Invitae Variant Classification Sherloc (09022015). Collection method: clinical testing. Allele origin: unknown.
Comment: For these reasons, this variant has been classified as Pathogenic. This variant disrupts a region of the NF1 protein in which other variant(s) (p.Val1606Asp) have been determined to be pathogenic (PMID: 31766501; Invitae; External communication). This suggests that this is a clinically significant region of the protein, and that variants that disrupt it are likely to be disease-causing. This variant has not been reported in the literature in individuals affected with NF1-related conditions. This variant is a gross deletion of the genomic region encompassing exon(s) 36-53 of the NF1 gene. This variant would be expected to be in-frame, preserving the integrity of the reading frame.

Literature cited by the submitters: PubMed 31766501.

NC_000017.10:g.(?_29652828)_(29684397_?)del

Gene: NF1 (neurofibromin 1; plus strand). Cytogenetic location: 17q11.2.
Variant type: Deletion.
Identifiers: ClinVar variation 3242866 (VCV003242866.1).